The following is an entry in ClinVar:

NM_173551.5(ANKS6):c.2220C>T (p.Ser740=)

Gene: ANKS6 (ankyrin repeat and sterile alpha motif domain containing 6; minus strand). Cytogenetic location: 9q22.33.
Variant type: single nucleotide variant.
Coding change: c.2220C>T on transcript NM_173551.5 (MANE Select); coding-DNA position 2220, C replaced by T.
Protein change: p.Ser740=; no amino-acid change (serine 740 retained).
Molecular consequence: synonymous variant.
Genome position (GRCh38, 1-based): chr9:98,756,526, G>A on the plus strand (C>T on the coding strand, the complement: ANKS6 is on the minus strand). VCF-style: chr9-98756526-G-A. GRCh37 (hg19) VCF-style: chr9-101518808-G-A.
Other names: c.2220C>T (NM_173551.4).
Identifiers: ClinVar variation 2713262 (VCV002713262.5), dbSNP rs767138587, ClinGen allele CA5153225.

ClinVar aggregate classification (germline): Likely benign. Review status: criteria provided, single submitter (1 of 4 stars). 2 submissions from 2 submitters: Likely benign (1). 1 of the submissions does not count toward it. Last evaluated 2024-01-04.

Conditions:
ANKS6-related disorder. Also called: ANKS6-related condition.
Nephronophthisis 16 (NPHP16). Identifiers: Orphanet 655, MedGen C3809320, MONDO:0014158, OMIM 615382.

Allele frequency attached by ClinVar (database versions not stated): ExAC 0.00003; TOPMed 0.00004; gnomAD 0.00005; gnomAD exomes 0.00008.
gnomAD v4.1: 126 of 1,606,660 alleles (0.0078%); highest among the groups gnomAD compares: Non-Finnish European, 0.01%; no homozygotes.

Submissions (2):

Labcorp Genetics (formerly Invitae), Labcorp
Classification: Likely benign for Nephronophthisis 16. Last evaluated: 2024-01-04. Review status: criteria provided, single submitter. Criteria: Invitae Variant Classification Sherloc (09022015). Collection method: clinical testing. Allele origin: germline.

PreventionGenetics, part of Exact Sciences
Classification: Likely benign for ANKS6-related condition. Last evaluated: 2019-05-02. Review status: no assertion criteria provided. Collection method: clinical testing. Allele origin: germline. Not counted in ClinVar's aggregate classification.
Comment: This variant is classified as likely benign based on ACMG/AMP sequence variant interpretation guidelines (Richards et al. 2015 PMID: 25741868, with internal and published modifications).